The following is an entry in ClinVar:

ClinVar aggregate classification (germline): not provided. Review status: no classification provided (0 of 4 stars). 2 submissions from 1 submitter: not provided (2).

Conditions:
Preeclampsia. Identifiers: Orphanet 275555, MedGen C0032914, MONDO:0005081, HP:0100602.
Gestational diabetes mellitus uncontrolled. Identifiers: MedGen C3532257.

Submissions (2):

Institute of Molecular and Cell Biology, University of Tartu
No classification provided. Condition: Preeclampsia. Review status: no classification provided. Collection method: case-control. Allele origin: unknown. Affected: yes. Study: Kasak2014.
Comment: The study aimed to determine the contribution of copy number variants in the genetic etiology of normal and complicated pregnancies. The samples represented (i) maternal blood DNA drawn from healthy pregnant women during 1st or 2nd trimester and (ii) maternal and paternal blood DNA drawn at term pregnancy cases representing normal and complicated gestations (severe preeclampsia, PE; gestational diabetes, GD; small-for-gestational age newborn, SGA; large-for-gestational age newborn, LGA). We performed CNV calling based on genome-wide genotyping dataset (Illumina HumanOmniExpress-24-v1 BeadChip) by applying three algorithms, QuantiSNP, GADA (Genome Alteration Detection Algorithm) and CNstream in parallel. The acquired CNV calls were merged with HD-CNV (Hotspot Detector for Copy Number Variants) program and only the CNVs predicted by at least two programs, were considered in subsequent analysis.

Institute of Molecular and Cell Biology, University of Tartu
No classification provided. Condition: Gestational diabetes mellitus uncontrolled. Review status: no classification provided. Collection method: case-control. Allele origin: unknown. Affected: yes. Study: Kasak2014.
Comment: the same text as in the submission from Institute of Molecular and Cell Biology, University of Tartu above.

Literature cited by the submitters: PubMed 25666259.

Single allele

Variant type: Deletion.
Identifiers: ClinVar variation 156946 (VCV000156946.2).